The following is an entry in ClinVar:

NM_004064.5(CDKN1B):c.309G>A (p.Ala103=)

Gene: CDKN1B (cyclin dependent kinase inhibitor 1B; plus strand). Cytogenetic location: 12p13.1.
Variant type: single nucleotide variant.
Coding change: c.309G>A on transcript NM_004064.5 (MANE Select); coding-DNA position 309, G replaced by A.
Protein change: p.Ala103=; no amino-acid change (alanine 103 retained).
Molecular consequence: synonymous variant.
Genome position (GRCh38, 1-based): chr12:12,718,148, G>A. VCF-style: chr12-12718148-G-A. GRCh37 (hg19) VCF-style: chr12-12871082-G-A.
Identifiers: ClinVar variation 469020 (VCV000469020.15), dbSNP rs761029896, ClinGen allele CA6457458.

ClinVar aggregate classification (germline): Likely benign. Review status: criteria provided, multiple submitters, no conflicts (2 of 4 stars). 3 submissions from 3 submitters: Likely benign (3). Last evaluated 2026-07-01.

Conditions:
Hereditary cancer-predisposing syndrome. Also called: Hereditary neoplastic syndrome; Tumor predisposition; Neoplastic Syndromes, Hereditary; Hereditary Cancer Syndrome. Identifiers: Orphanet 140162, MedGen C0027672, MeSH D009386, MONDO:0015356.
Multiple endocrine neoplasia type 4. Also called: MULTIPLE ENDOCRINE NEOPLASIA, TYPE IV. Identifiers: Orphanet 276152, MedGen C1970712, MONDO:0012552, OMIM 610755.

Allele frequency attached by ClinVar (database versions not stated): gnomAD 0.00001; TOPMed 0.00002.
gnomAD v4.1: 23 of 1,613,908 alleles (0.0014%); highest among the groups gnomAD compares: Admixed American, 0.015%; no homozygotes.

Submissions (3):

CeGaT Center for Human Genetics Tuebingen
Classification: Likely benign. Last evaluated: 2026-07-01. Review status: criteria provided, single submitter. Criteria: CeGaT Center For Human Genetics Tuebingen Variant Classification Criteria Version 2. Collection method: clinical testing. Allele origin: germline. Affected: yes. Observed: 1 variant allele.
Comment: CDKN1B: BP4, BP7

Labcorp Genetics (formerly Invitae), Labcorp
Classification: Likely benign for Multiple endocrine neoplasia type 4. Last evaluated: 2025-11-22. Review status: criteria provided, single submitter. Criteria: Invitae Variant Classification Sherloc (09022015). Collection method: clinical testing. Allele origin: germline.

Ambry Genetics
Classification: Likely benign for Hereditary cancer-predisposing syndrome. Last evaluated: 2022-02-09. Review status: criteria provided, single submitter. Criteria: Ambry Variant Classification Scheme 2023. Collection method: clinical testing. Allele origin: germline.